The following is an entry in ClinVar:

NM_002691.4(POLD1):c.1138-11C>T

Gene: POLD1 (DNA polymerase delta 1, catalytic subunit; plus strand). Cytogenetic location: 19q13.33.
Variant type: single nucleotide variant.
Coding change: c.1138-11C>T on transcript NM_002691.4 (MANE Select); 11 bases into the intron before coding-DNA position 1138, C replaced by T.
Molecular consequence: intron variant.
Genome position (GRCh38, 1-based): chr19:50,403,482, C>T. VCF-style: chr19-50403482-C-T. GRCh37 (hg19) VCF-style: chr19-50906739-C-T.
Other names: c.1138-11C>T (NM_001256849.1, NM_001308632.1).
Identifiers: ClinVar variation 2051473 (VCV002051473.5), dbSNP rs2038744386, ClinGen allele CA2580097596.

ClinVar aggregate classification (germline): Likely benign. Review status: criteria provided, multiple submitters, no conflicts (2 of 4 stars). 2 submissions from 2 submitters: Likely benign (2). Last evaluated 2025-02-05.

Conditions:
POLD1-related polyposis and colorectal cancer syndrome (CRCS10). Also called: Colorectal cancer 10; COLORECTAL CANCER, SUSCEPTIBILITY TO, ON CHROMOSOME 19q; Colorectal cancer, susceptibility to, 10. Identifiers: Orphanet 220460, MedGen C2675481, MONDO:0012953, OMIM 612591.

Submissions (2):

Myriad Genetics, Inc.
Classification: Likely benign for POLD1-related polyposis and colorectal cancer syndrome. Last evaluated: 2025-02-05. Review status: criteria provided, single submitter. Criteria: Myriad Autosomal Dominant, Autosomal Recessive and X-Linked Classification Criteria (2023). Collection method: clinical testing. Allele origin: unknown.
Comment: This variant is considered likely benign. This variant is intronic and is not expected to impact mRNA splicing.

Labcorp Genetics (formerly Invitae), Labcorp
Classification: Likely benign for POLD1-related polyposis and colorectal cancer syndrome. Last evaluated: 2022-08-21. Review status: criteria provided, single submitter. Criteria: Invitae Variant Classification Sherloc (09022015). Collection method: clinical testing. Allele origin: germline.